The following is an entry in ClinVar:

NM_015102.5(NPHP4):c.3641A>G (p.Tyr1214Cys)

Gene: NPHP4 (nephrocystin 4; minus strand). Cytogenetic location: 1p36.31.
Variant type: single nucleotide variant.
Coding change: c.3641A>G on transcript NM_015102.5 (MANE Select); coding-DNA position 3641, A replaced by G.
Protein change: p.Tyr1214Cys; replaces tyrosine 1214 with cysteine.
Molecular consequence: missense variant. On other transcripts: non-coding transcript variant (1).
Genome position (GRCh38, 1-based): chr1:5,866,376, T>C on the plus strand (A>G on the coding strand, the complement: NPHP4 is on the minus strand). VCF-style: chr1-5866376-T-C. GRCh37 (hg19) VCF-style: chr1-5926436-T-C.
Other names: c.2102A>G, p.Tyr701Cys (NM_001291593.2); c.2105A>G, p.Tyr702Cys (NM_001291594.2); short protein forms Y1214C, Y701C, Y702C.
Identifiers: ClinVar variation 3370326 (VCV003370326.1).

ClinVar aggregate classification (germline): Likely pathogenic (1 of 4 stars; one submission).

Conditions:
Nephronophthisis 4 (NPHP4). Also called: NEPHRONOPHTHISIS 4, JUVENILE. Identifiers: Orphanet 655, MedGen C1847013, MONDO:0011752, OMIM 606966.

gnomAD v4.1: 1 of 1,601,092 alleles (0.000062%); highest among the groups gnomAD compares: Non-Finnish European, 0.000085%; no homozygotes.

Submission:

MVZ Medizinische Genetik Mainz
Classification: Likely pathogenic for Nephronophthisis 4. Last evaluated: 2024-02-09. Review status: criteria provided, single submitter. Criteria: UK Practice Guidelines For Variant Classification V4 01 2020. Collection method: clinical testing. Allele origin: germline. Inheritance: Autosomal recessive inheritance. Affected: yes. Observed: 1 variant allele.
Comment: ACMG Criteria: PM3_STR,PM2_SUP,PP4